The following is an entry in ClinVar:

NM_002900.3(RBP3):c.1098A>G (p.Glu366=)

Gene: RBP3 (retinol binding protein 3; plus strand). Cytogenetic location: 10q11.22.
Variant type: single nucleotide variant.
Coding change: c.1098A>G on transcript NM_002900.3 (MANE Select); coding-DNA position 1098, A replaced by G.
Protein change: p.Glu366=; no amino-acid change (glutamic acid 366 retained).
Molecular consequence: synonymous variant.
Genome position (GRCh38, 1-based): chr10:47,349,582, A>G. VCF-style: chr10-47349582-A-G. GRCh37 (hg19) VCF-style: chr10-48389780-T-C.
Other names: c.1098A>G (NM_002900.2).
Identifiers: ClinVar variation 1542160 (VCV001542160.12), dbSNP rs782499330, ClinGen allele CA5487608.

ClinVar aggregate classification (germline): Likely benign. Review status: criteria provided, multiple submitters, no conflicts (2 of 4 stars). 4 submissions from 4 submitters: Likely benign (3). 1 of the submissions does not count toward it. Last evaluated 2024-02-23.

Conditions:
RBP3-related disorder. Also called: RBP3-related condition.

Allele frequency attached by ClinVar (database versions not stated): gnomAD exomes below 0.00001 and 0.00001; ExAC 0.00001; gnomAD 0.00002 and 0.00003; TOPMed 0.00006.

Submissions (4):

Labcorp Genetics (formerly Invitae), Labcorp
Classification: Likely benign. Last evaluated: 2024-02-23. Review status: criteria provided, single submitter. Criteria: Invitae Variant Classification Sherloc (09022015). Collection method: clinical testing. Allele origin: germline.

Blueprint Genetics
Classification: Likely benign. Last evaluated: 2022-02-12. Review status: criteria provided, single submitter. Criteria: ACMG Guidelines, 2015. Collection method: clinical testing. Allele origin: germline.

Breakthrough Genomics
Classification: Likely benign. Review status: criteria provided, single submitter. Criteria: ACMG Guidelines, 2015. Collection method: not provided. Allele origin: germline. Inheritance: Autosomal recessive inheritance. Affected: yes.

PreventionGenetics, part of Exact Sciences
Classification: Likely benign for RBP3-related condition. Last evaluated: 2022-02-09. Review status: no assertion criteria provided. Collection method: clinical testing. Allele origin: germline. Not counted in ClinVar's aggregate classification.
Comment: This variant is classified as likely benign based on ACMG/AMP sequence variant interpretation guidelines (Richards et al. 2015 PMID: 25741868, with internal and published modifications).